The following is an entry in ClinVar:

NM_000051.4(ATM):c.3918T>C (p.Ser1306=)

Gene: ATM (ATM serine/threonine kinase; plus strand). Cytogenetic location: 11q22.3.
Variant type: single nucleotide variant.
Coding change: c.3918T>C on transcript NM_000051.4 (MANE Select); coding-DNA position 3918, T replaced by C.
Protein change: p.Ser1306=; no amino-acid change (serine 1306 retained).
Molecular consequence: synonymous variant.
Genome position (GRCh38, 1-based): chr11:108,284,398, T>C. VCF-style: chr11-108284398-T-C. GRCh37 (hg19) VCF-style: chr11-108155125-T-C.
Other names: c.3918T>C, p.Ser1306= (NM_001351834.2).
Identifiers: ClinVar variation 232893 (VCV000232893.23), dbSNP rs139632347, ClinGen allele CA6265364.

ClinVar aggregate classification (germline): Benign/Likely benign. Review status: criteria provided, multiple submitters, no conflicts (2 of 4 stars). 7 submissions from 7 submitters: Benign (1); Likely benign (6). Last evaluated 2026-01-13.

Conditions:
Hereditary cancer-predisposing syndrome. Also called: Neoplastic Syndromes, Hereditary; Hereditary neoplastic syndrome; Hereditary Cancer Syndrome; Tumor predisposition. Identifiers: Orphanet 140162, MedGen C0027672, MeSH D009386, MONDO:0015356.
Familial cancer of breast. Also called: hereditary breast carcinoma; Hereditary breast cancer; BREAST CANCER, FAMILIAL. Identifiers: Orphanet 227535, MedGen C0346153, MONDO:0016419, OMIM 114480. Disease mechanism: loss of function.
Ataxia-telangiectasia syndrome (AT). Also called: Cerebello-oculocutaneous telangiectasia; Immunodeficiency with ataxia telangiectasia; Ataxia-telangiectasia, complementation group E; Ataxia telangiectasia (A-T); LOUIS-BAR SYNDROME; Ataxia-telangiectasia, complementation group D. Identifiers: Orphanet 100, MedGen C0004135, MONDO:0008840, OMIM 208900.

Allele frequency attached by ClinVar (database versions not stated): gnomAD exomes below 0.00001 and 0.00001; ExAC 0.00001; gnomAD 0.00001; TOPMed 0.00001; ESP Exome Variant Server 0.00015.
gnomAD v4.1: 8 of 1,613,820 alleles (0.0005%); highest among the groups gnomAD compares: Non-Finnish European, 0.00068%; no homozygotes.

Submissions (7):

Labcorp Genetics (formerly Invitae), Labcorp
Classification: Likely benign for Ataxia-telangiectasia syndrome. Last evaluated: 2026-01-13. Review status: criteria provided, single submitter. Criteria: Invitae Variant Classification Sherloc (09022015). Collection method: clinical testing. Allele origin: germline.

Women's Health and Genetics/Laboratory Corporation of America, LabCorp
Classification: Likely benign. Last evaluated: 2025-04-07. Review status: criteria provided, single submitter. Criteria: LabCorp Variant Classification Summary - May 2015. Collection method: clinical testing. Allele origin: germline.

Myriad Genetics, Inc.
Classification: Benign for Familial cancer of breast. Last evaluated: 2024-05-15. Review status: criteria provided, single submitter. Criteria: Myriad Autosomal Dominant, Autosomal Recessive and X-Linked Classification Criteria (2023). Collection method: clinical testing. Allele origin: unknown.
Comment: This variant is considered benign. This variant is a silent/synonymous amino acid change and it is not expected to impact splicing.

Athena Diagnostics
Classification: Likely benign. Last evaluated: 2023-11-22. Review status: criteria provided, single submitter. Criteria: Athena Diagnostics Criteria. Collection method: clinical testing. Allele origin: unknown.

Blueprint Genetics
Classification: Likely benign. Last evaluated: 2023-10-27. Review status: criteria provided, single submitter. Criteria: ACMG Guidelines, 2015. Collection method: clinical testing. Allele origin: germline.

Color Diagnostics, LLC DBA Color Health
Classification: Likely benign for Hereditary cancer-predisposing syndrome. Last evaluated: 2018-04-30. Review status: criteria provided, single submitter. Criteria: ACMG Guidelines, 2015. Collection method: clinical testing. Allele origin: germline.

Ambry Genetics
Classification: Likely benign for Hereditary cancer-predisposing syndrome. Last evaluated: 2015-07-14. Review status: criteria provided, single submitter. Criteria: Ambry Variant Classification Scheme 2023. Collection method: clinical testing. Allele origin: germline.